The following is an entry in ClinVar:

NM_003072.5(SMARCA4):c.4824G>A (p.Arg1608=)

Gene: SMARCA4 (SWI/SNF related BAF chromatin remodeling complex subunit ATPase 4; plus strand). Cytogenetic location: 19p13.2.
Variant type: single nucleotide variant.
Coding change: c.4824G>A on transcript NM_003072.5 (MANE Select); coding-DNA position 4824, G replaced by A.
Protein change: p.Arg1608=; no amino-acid change (arginine 1608 retained).
Molecular consequence: synonymous variant. On other transcripts: non-coding transcript variant (1).
Genome position (GRCh38, 1-based): chr19:11,060,100, G>A. VCF-style: chr19-11060100-G-A. GRCh37 (hg19) VCF-style: chr19-11170776-G-A.
Other names: c.4824G>A, p.Arg1608= (NM_001128844.3); c.4734G>A, p.Arg1578= (NM_001128845.2); c.4731G>A, p.Arg1577= (NM_001128846.2); c.4725G>A, p.Arg1575= (NM_001128847.4, NM_001374457.1); c.4722G>A, p.Arg1574= (NM_001128848.2); c.4920G>A, p.Arg1640= (NM_001128849.3, NM_001387283.1); c.4821G>A, p.Arg1607= (NM_001411150.1).
Identifiers: ClinVar variation 5042111 (VCV005042111.1).

ClinVar aggregate classification (germline): Benign (1 of 4 stars; one submission).

Conditions:
Rhabdoid tumor predisposition syndrome 2 (RTPS2). Identifiers: Orphanet 231108, Orphanet 69077, MedGen C2750074, MONDO:0013224, OMIM 613325.

gnomAD v4.1: 1 of 1,552,284 alleles (0.000064%); highest among the groups gnomAD compares: Non-Finnish European, 0.000087%; no homozygotes.

Submission:

Myriad Genetics, Inc.
Classification: Benign for Rhabdoid tumor predisposition syndrome 2. Last evaluated: 2026-07-23. Review status: criteria provided, single submitter. Criteria: Myriad Autosomal Dominant, Autosomal Recessive and X-Linked Classification Criteria (2023). Collection method: clinical testing. Allele origin: unknown.
Comment: This variant is considered benign. This variant is a silent/synonymous amino acid change and it is not expected to impact splicing.